The following is an entry in ClinVar:

ClinVar aggregate classification (germline): Uncertain significance. Review status: criteria provided, multiple submitters, no conflicts (2 of 4 stars). 2 submissions from 2 submitters: Uncertain significance (2). Last evaluated 2021-08-14.

Allele frequency attached by ClinVar (database versions not stated): ExAC 0.00001; TOPMed 0.00001; gnomAD exomes 0.00002; gnomAD 0.00003; ESP Exome Variant Server 0.00008.
gnomAD v4.1: 44 of 1,613,684 alleles (0.0027%); highest among the groups gnomAD compares: African/African-American, 0.004%; no homozygotes.

Submissions (2):

Labcorp Genetics (formerly Invitae), Labcorp
Classification: Uncertain significance. Last evaluated: 2021-08-14. Review status: criteria provided, single submitter. Criteria: Invitae Variant Classification Sherloc (09022015). Collection method: clinical testing. Allele origin: germline.
Comment: This sequence change replaces arginine with histidine at codon 1448 of the OTOF protein (p.Arg1448His). The arginine residue is highly conserved and there is a small physicochemical difference between arginine and histidine. This variant is present in population databases (rs373858563, ExAC 0.002%). This variant has not been reported in the literature in individuals affected with OTOF-related conditions. ClinVar contains an entry for this variant (Variation ID: 504658). Algorithms developed to predict the effect of missense changes on protein structure and function (SIFT, PolyPhen-2, Align-GVGD) all suggest that this variant is likely to be disruptive. In summary, the available evidence is currently insufficient to determine the role of this variant in disease. Therefore, it has been classified as a Variant of Uncertain Significance.

Laboratory for Molecular Medicine, Mass General Brigham Personalized Medicine
Classification: Uncertain significance. Last evaluated: 2016-10-06. Review status: criteria provided, single submitter. Criteria: LMM Criteria. Collection method: clinical testing. Allele origin: germline. Observed: 1 variant allele.
Comment: The p.Arg1448His variant in OTOF has not been previously reported in individuals with hearing loss. It has been identified in 1/66162 European chromosomes by th e Exome Aggregation Consortium (ExAC; dbSNP rs37 3858563). Although this variant has been seen in the general population, its fre quency is not high enough to rule out a pathogenic role. Computational predictio n tools and conservation analyses suggest that this variant may impact the prote in, though this information is not predictive enough to determine pathogenicity. In summary, the clinical significance of the p.Arg1448His variant is uncertain.

NM_194248.3(OTOF):c.4343G>A (p.Arg1448His)

Gene: OTOF (otoferlin; minus strand). Cytogenetic location: 2p23.3.
Variant type: single nucleotide variant.
Coding change: c.4343G>A on transcript NM_194248.3 (MANE Select); coding-DNA position 4343, G replaced by A.
Protein change: p.Arg1448His; replaces arginine 1448 with histidine.
Molecular consequence: missense variant.
Genome position (GRCh38, 1-based): chr2:26,467,118, C>T on the plus strand (G>A on the coding strand, the complement: OTOF is on the minus strand). VCF-style: chr2-26467118-C-T. GRCh37 (hg19) VCF-style: chr2-26689986-C-T.
Other names: c.4343G>A, p.Arg1448His (NM_001287489.2); c.2042G>A, p.Arg681His (NM_004802.4, NM_194323.3); c.2273G>A, p.Arg758His (NM_194322.3); short protein forms R1448H, R681H, R758H.
Identifiers: ClinVar variation 504658 (VCV000504658.10), dbSNP rs373858563, ClinGen allele CA1563210.